The following is an entry in ClinVar:

ClinVar aggregate classification (germline): Uncertain significance (1 of 4 stars; one submission).

Allele frequency attached by ClinVar (database versions not stated): gnomAD exomes below 0.00001; gnomAD 0.00001; TOPMed 0.00001.
gnomAD v4.1: 2 of 1,613,086 alleles (0.00012%); highest among the groups gnomAD compares: African/African-American, 0.0027%; no homozygotes.

Submission:

Labcorp Genetics (formerly Invitae), Labcorp
Classification: Uncertain significance. Last evaluated: 2021-09-24. Review status: criteria provided, single submitter. Criteria: Invitae Variant Classification Sherloc (09022015). Collection method: clinical testing. Allele origin: germline.
Comment: This sequence change replaces alanine with aspartic acid at codon 530 of the RUSC2 protein (p.Ala530Asp). The alanine residue is moderately conserved and there is a moderate physicochemical difference between alanine and aspartic acid. This variant is present in population databases (rs779999067, ExAC 0.01%). This variant has not been reported in the literature in individuals affected with RUSC2-related conditions. Algorithms developed to predict the effect of missense changes on protein structure and function are either unavailable or do not agree on the potential impact of this missense change (SIFT: "Deleterious"; PolyPhen-2: "Benign"; Align-GVGD: "Class C0"). In summary, the available evidence is currently insufficient to determine the role of this variant in disease. Therefore, it has been classified as a Variant of Uncertain Significance.

NM_014806.5(RUSC2):c.1589C>A (p.Ala530Asp)

Gene: RUSC2 (RUN and SH3 domain containing 2; plus strand). Cytogenetic location: 9p13.3.
Variant type: single nucleotide variant.
Coding change: c.1589C>A on transcript NM_014806.5 (MANE Select); coding-DNA position 1589, C replaced by A.
Protein change: p.Ala530Asp; replaces alanine 530 with aspartic acid.
Molecular consequence: missense variant. On other transcripts: non-coding transcript variant (1), intron variant (1).
Genome position (GRCh38, 1-based): chr9:35,548,110, C>A. VCF-style: chr9-35548110-C-A. GRCh37 (hg19) VCF-style: chr9-35548107-C-A.
Other names: c.1589C>A, p.Ala530Asp (NM_001135999.2); c.-620-6950C>A (NM_001330740.2); short protein forms A530D.
Identifiers: ClinVar variation 1372887 (VCV001372887.5), dbSNP rs779999067, ClinGen allele CA5043681.